The following is an entry in ClinVar:

NM_001375524.1(TRRAP):c.10922C>G (p.Thr3641Ser)

Gene: TRRAP (transformation/transcription domain associated protein; plus strand). Cytogenetic location: 7q22.1.
Variant type: single nucleotide variant.
Coding change: c.10922C>G on transcript NM_001375524.1 (MANE Select); coding-DNA position 10922, C replaced by G.
Protein change: p.Thr3641Ser; replaces threonine 3641 with serine.
Molecular consequence: missense variant.
Genome position (GRCh38, 1-based): chr7:99,008,545, C>G. VCF-style: chr7-99008545-C-G. GRCh37 (hg19) VCF-style: chr7-98606168-C-G.
Other names: c.10880C>G, p.Thr3627Ser (NM_001244580.2); c.10793C>G, p.Thr3598Ser (NM_003496.4); short protein forms T3598S, T3627S, T3641S.
Identifiers: ClinVar variation 3254930 (VCV003254930.2), dbSNP rs1298588355.

ClinVar aggregate classification (germline): Conflicting classifications of pathogenicity. Review status: criteria provided, conflicting classifications (1 of 4 stars). 2 submissions from 2 submitters: Uncertain significance (1); Likely benign (1). Last evaluated 2025-08-11.

Conditions:
Developmental delay with or without dysmorphic facies and autism. Identifiers: MedGen C5193106, MONDO:0032760, OMIM 618454.

Allele frequency attached by ClinVar (database versions not stated): TOPMed 0.00001.
gnomAD v4.1: 23 of 1,613,588 alleles (0.0014%); highest among the groups gnomAD compares: Non-Finnish European, 0.0019%; no homozygotes.

Submissions (2):

Labcorp Genetics (formerly Invitae), Labcorp
Classification: Likely benign. Last evaluated: 2025-08-11. Review status: criteria provided, single submitter. Criteria: Invitae Variant Classification Sherloc (09022015). Collection method: clinical testing. Allele origin: germline.

Victorian Clinical Genetics Services, Murdoch Childrens Research Institute
Classification: Uncertain significance for Developmental delay with or without dysmorphic facies and autism. Last evaluated: 2023-07-17. Review status: criteria provided, single submitter. Criteria: ACMG Guidelines, 2015. Collection method: clinical testing. Allele origin: germline. Inheritance: Autosomal dominant inheritance. Affected: yes.
Comment: Based on the classification scheme VCGS_Germline_v1.3.4, this variant is classified as VUS-3B. Following criteria are met: 0105 - The mechanism of disease for this gene is not clearly established. However, loss of function is a likely mechanism. (I) 0107 - This gene is associated with autosomal dominant disease. (I) 0200 - Variant is predicted to result in a missense amino acid change from threonine to serine. (I) 0251 - This variant is heterozygous. (I) 0302 - Variant is present in gnomAD (v2) <0.001 for a dominant condition (1 heterozygote, 0 homozygotes). (SP) 0309 - An alternative amino acid change at the same position has been observed in gnomAD (v2) (1 heterozygote, 0 homozygotes). (I) 0503 - Missense variant consistently predicted to be tolerated by multiple in silico tools or not conserved in placental mammals with a minor amino acid change. (SB) 0600 - Variant is located in the annotated phosphatidylinositol 3- and 4-kinase domain (DECIPHER). (I) 0705 - No comparable missense variants have previous evidence for pathogenicity. (I) 0807 - This variant has no previous evidence of pathogenicity. (I) 0905 - No published segregation evidence has been identified for this variant. (I) 1007 - No published functional evidence has been identified for this variant. (I) 1208 - Inheritance information for this variant is not currently available in this individual. (I) Legend: (SP) - Supporting pathogenic, (I) - Information, (SB) - Supporting benign